The following is an entry in ClinVar:

NM_001382567.1(STIM1):c.1634+285C>A

Gene: STIM1 (stromal interaction molecule 1; plus strand). Cytogenetic location: 11p15.4.
Variant type: single nucleotide variant.
Coding change: c.1634+285C>A on transcript NM_001382567.1 (MANE Select); 285 bases into the intron after coding-DNA position 1634, C replaced by A.
Molecular consequence: intron variant. On other transcripts: missense variant (2).
Genome position (GRCh38, 1-based): chr11:4,086,828, C>A. VCF-style: chr11-4086828-C-A. GRCh37 (hg19) VCF-style: chr11-4108058-C-A.
Other names: c.1826C>A, p.Thr609Asn (NM_001277961.3); c.1604C>A, p.Thr535Asn (NM_001382566.1); c.1319+285C>A (NM_001382578.1, NM_001382575.1, NM_001382576.1 and 2 more transcripts); c.1052+285C>A (NM_001382580.1, NM_001382581.1); c.1562+285C>A (NM_001382568.1); c.1541+285C>A (NM_001277962.2, NM_003156.4); c.1313+285C>A (NM_001382570.1); c.1406+285C>A (NM_001382569.1); and 1 more; short protein forms T535N, T609N.
Identifiers: ClinVar variation 4977881 (VCV004977881.1).

ClinVar aggregate classification (germline): Uncertain significance (1 of 4 stars; one submission).

Conditions:
STIM1-related disorder. Also called: STIM1-related condition.

gnomAD v4.1: 9 of 1,535,828 alleles (0.00059%); highest among the groups gnomAD compares: Non-Finnish European, 0.00079%; no homozygotes.

Submission:

PreventionGenetics, part of Exact Sciences
Classification: Uncertain significance for STIM1-related condition. Last evaluated: 2025-09-11. Review status: criteria provided, single submitter. Criteria: ACMG Guidelines, 2015. Collection method: clinical testing. Allele origin: germline.
Comment: The STIM1 c.1826C>A variant is predicted to result in the amino acid substitution p.Thr609Asn. In the primary transcript (NM_003156) this variant is described as c.1541+285C>A (intronic). To our knowledge, this variant has not been reported in the literature or in a large population database (gnomAD), indicating this variant is rare. At this time, the clinical significance of this variant is uncertain due to the absence of conclusive functional and genetic evidence.